The following is an entry in ClinVar:

NM_014425.5(INVS):c.983G>A (p.Trp328Ter)

Gene: INVS (inversin; plus strand). Cytogenetic location: 9q31.1.
Variant type: single nucleotide variant.
Coding change: c.983G>A on transcript NM_014425.5 (MANE Select); coding-DNA position 983, G replaced by A.
Protein change: p.Trp328Ter; replaces tryptophan 328 with a stop codon.
Molecular consequence: nonsense. On other transcripts: non-coding transcript variant (1).
Genome position (GRCh38, 1-based): chr9:100,246,692, G>A. VCF-style: chr9-100246692-G-A. GRCh37 (hg19) VCF-style: chr9-103008974-G-A.
Other names: c.695G>A, p.Trp232Ter (NM_001318381.2); c.5G>A, p.Trp2Ter (NM_001318382.2); short protein forms W2*, W328*, W232*.
Identifiers: ClinVar variation 2019816 (VCV002019816.4), dbSNP rs2491257149, ClinGen allele CA374363739.

ClinVar aggregate classification (germline): Pathogenic (1 of 4 stars; one submission).

Conditions:
Nephronophthisis. Also called: Juvenile Nephronophthisis. Identifiers: Orphanet 655, MedGen C0687120, MONDO:0019005, HP:0000090.

Submission:

Labcorp Genetics (formerly Invitae), Labcorp
Classification: Pathogenic for Nephronophthisis. Last evaluated: 2025-06-12. Review status: criteria provided, single submitter. Criteria: Invitae Variant Classification Sherloc (09022015). Collection method: clinical testing. Allele origin: germline.
Comment: This sequence change creates a premature translational stop signal (p.Trp328*) in the INVS gene. It is expected to result in an absent or disrupted protein product. Loss-of-function variants in INVS are known to be pathogenic (PMID: 12872123). This variant is not present in population databases (gnomAD no frequency). This variant has not been reported in the literature in individuals affected with INVS-related conditions. ClinVar contains an entry for this variant (Variation ID: 2019816). Algorithms developed to predict the effect of sequence changes on RNA splicing suggest that this variant may disrupt the consensus splice site. For these reasons, this variant has been classified as Pathogenic.

Literature cited by the submitters: PubMed 12872123.